The following is an entry in ClinVar:

ClinVar aggregate classification (germline): Uncertain significance (1 of 4 stars; one submission).

Conditions:
Developmental and epileptic encephalopathy, 2 (DEE2). Also called: CDKL5 deficiency disorder; INFANTILE SPASM SYNDROME, X-LINKED 2. Identifiers: Orphanet 1934, Orphanet 3451, Orphanet 505652, MedGen C4750718, MONDO:0010396, OMIM 300672.
Angelman syndrome-like. Identifiers: MedGen CN128785.

Submission:

Labcorp Genetics (formerly Invitae), Labcorp
Classification: Uncertain significance for Developmental and epileptic encephalopathy, 2; Angelman syndrome-like. Last evaluated: 2019-08-13. Review status: criteria provided, single submitter. Criteria: Invitae Variant Classification Sherloc (09022015). Collection method: clinical testing. Allele origin: germline.
Comment: Algorithms developed to predict the effect of missense changes on protein structure and function (SIFT, PolyPhen-2, Align-GVGD) all suggest that this variant is likely to be tolerated, but these predictions have not been confirmed by published functional studies and their clinical significance is uncertain. In summary, the available evidence is currently insufficient to determine the role of this variant in disease. Therefore, it has been classified as a Variant of Uncertain Significance. This variant has not been reported in the literature in individuals with CDKL5-related conditions. This sequence change replaces valine with glutamic acid at codon 732 of the CDKL5 protein (p.Val732Glu). The valine residue is highly conserved and there is a moderate physicochemical difference between valine and glutamic acid. This variant is not present in population databases (ExAC no frequency).

NM_001323289.2(CDKL5):c.2195T>A (p.Val732Glu)

Gene: CDKL5 (cyclin dependent kinase like 5; plus strand). Cytogenetic location: Xp22.13.
Variant type: single nucleotide variant.
Coding change: c.2195T>A on transcript NM_001323289.2 (MANE Select); coding-DNA position 2195, T replaced by A.
Protein change: p.Val732Glu; replaces valine 732 with glutamic acid.
Molecular consequence: missense variant.
Genome position (GRCh38, 1-based): chrX:18,613,194, T>A. VCF-style: chrX-18613194-T-A. GRCh37 (hg19) VCF-style: chrX-18631314-T-A.
Other names: c.2195T>A, p.Val732Glu (NM_001037343.2, NM_003159.3); short protein forms V732E.
Identifiers: ClinVar variation 957096 (VCV000957096.10), dbSNP rs1926617510, ClinGen allele CA412368086.